The following is an entry in ClinVar:

ClinVar aggregate classification (germline): Uncertain significance (1 of 4 stars; one submission).

Conditions:
Hereditary spastic paraplegia 73. Also called: Spastic paraplegia 73, autosomal dominant. Identifiers: Orphanet 444099, MedGen C5568981, MONDO:0014568, OMIM 616282.

Allele frequency attached by ClinVar (database versions not stated): TOPMed 0.00002.
gnomAD v4.1: 18 of 1,613,998 alleles (0.0011%); highest among the groups gnomAD compares: Non-Finnish European, 0.0015%; no homozygotes.

Submission:

Labcorp Genetics (formerly Invitae), Labcorp
Classification: Uncertain significance for Hereditary spastic paraplegia 73. Last evaluated: 2022-10-21. Review status: criteria provided, single submitter. Criteria: Invitae Variant Classification Sherloc (09022015). Collection method: clinical testing. Allele origin: germline.
Comment: In summary, the available evidence is currently insufficient to determine the role of this variant in disease. Therefore, it has been classified as a Variant of Uncertain Significance. Advanced modeling of protein sequence and biophysical properties (such as structural, functional, and spatial information, amino acid conservation, physicochemical variation, residue mobility, and thermodynamic stability) performed at Invitae indicates that this missense variant is not expected to disrupt CPT1C protein function. This variant has not been reported in the literature in individuals affected with CPT1C-related conditions. This variant is present in population databases (no rsID available, gnomAD 0.0009%). This sequence change replaces histidine, which is basic and polar, with glutamine, which is neutral and polar, at codon 654 of the CPT1C protein (p.His654Gln).

NM_001199753.2(CPT1C):c.1995C>G (p.His665Gln)

Gene: CPT1C (carnitine palmitoyltransferase 1C; plus strand). Cytogenetic location: 19q13.33.
Variant type: single nucleotide variant.
Coding change: c.1995C>G on transcript NM_001199753.2 (MANE Select); coding-DNA position 1995, C replaced by G.
Protein change: p.His665Gln; replaces histidine 665 with glutamine.
Molecular consequence: missense variant. On other transcripts: non-coding transcript variant (1).
Genome position (GRCh38, 1-based): chr19:49,711,937, C>G. VCF-style: chr19-49711937-C-G. GRCh37 (hg19) VCF-style: chr19-50215194-C-G.
Other names: c.1962C>G, p.His654Gln (NM_001136052.3, NM_001378485.1); c.1995C>G, p.His665Gln (NM_001199752.3, NM_152359.3, NM_001378483.1 and 1 more transcripts); c.1827C>G, p.His609Gln (NM_001378487.1); c.1860C>G, p.His620Gln (NM_001378488.1, NM_001378486.1); c.2061C>G, p.His687Gln (NM_001378482.1); short protein forms H654Q, H687Q, H609Q, H620Q, H665Q.
Identifiers: ClinVar variation 2981197 (VCV002981197.3), dbSNP rs758567289, ClinGen allele CA406909134.